The following is an entry in ClinVar:

NM_000038.6(APC):c.8485C>G (p.Gln2829Glu)

Gene: APC (APC regulator of Wnt signaling pathway; plus strand). Cytogenetic location: 5q22.2.
Variant type: single nucleotide variant.
Coding change: c.8485C>G on transcript NM_000038.6 (MANE Select); coding-DNA position 8485, C replaced by G.
Protein change: p.Gln2829Glu; replaces glutamine 2829 with glutamic acid.
Molecular consequence: missense variant. On other transcripts: non-coding transcript variant (2).
Genome position (GRCh38, 1-based): chr5:112,844,079, C>G. VCF-style: chr5-112844079-C-G. GRCh37 (hg19) VCF-style: chr5-112179776-C-G.
Other names: c.8485C>G, p.Gln2829Glu (NM_001127510.3, NM_001354895.2, NM_001407450.1); c.8431C>G, p.Gln2811Glu (NM_001127511.3); c.8539C>G, p.Gln2847Glu (NM_001354896.2, NM_001407447.1, NM_001407448.1 and 1 more transcripts); c.8515C>G, p.Gln2839Glu (NM_001354897.2); c.8410C>G, p.Gln2804Glu (NM_001354898.2); c.8401C>G, p.Gln2801Glu (NM_001354899.2); c.8362C>G, p.Gln2788Glu (NM_001354900.2); c.8308C>G, p.Gln2770Glu (NM_001354901.2, NM_001407453.1); and 11 more; short protein forms Q2546E, Q2746E, Q2770E, Q2829E, Q2839E, Q2669E, Q2738E, Q2847E.
Identifiers: ClinVar variation 2997977 (VCV002997977.3), dbSNP rs2150006216, ClinGen allele CA16039736.

ClinVar aggregate classification (germline): Uncertain significance (1 of 4 stars; one submission).

Conditions:
Familial adenomatous polyposis 1 (FAP1). Also called: FAMILIAL ADENOMATOUS POLYPOSIS 1, ATTENUATED; POLYPOSIS, ADENOMATOUS INTESTINAL. Identifiers: MedGen C2713442, MONDO:0021056, OMIM 175100. Disease mechanism: loss of function.

Allele frequency attached by ClinVar (database versions not stated): gnomAD exomes below 0.00001.
gnomAD v4.1: 1 of 1,609,034 alleles (0.000062%); highest among the groups gnomAD compares: Admixed American, 0.0017%; no homozygotes.

Submission:

Labcorp Genetics (formerly Invitae), Labcorp
Classification: Uncertain significance for Familial adenomatous polyposis 1. Last evaluated: 2024-01-27. Review status: criteria provided, single submitter. Criteria: Invitae Variant Classification Sherloc (09022015). Collection method: clinical testing. Allele origin: germline.
Comment: This sequence change replaces glutamine, which is neutral and polar, with glutamic acid, which is acidic and polar, at codon 2829 of the APC protein (p.Gln2829Glu). This variant is not present in population databases (gnomAD no frequency). This variant has not been reported in the literature in individuals affected with APC-related conditions. Advanced modeling of protein sequence and biophysical properties (such as structural, functional, and spatial information, amino acid conservation, physicochemical variation, residue mobility, and thermodynamic stability) performed at Invitae indicates that this missense variant is not expected to disrupt APC protein function with a negative predictive value of 95%. In summary, the available evidence is currently insufficient to determine the role of this variant in disease. Therefore, it has been classified as a Variant of Uncertain Significance.